The following is an entry in ClinVar:

NM_000397.4(CYBB):c.1466A>G (p.Asn489Ser)

Gene: CYBB (cytochrome b-245 beta chain; plus strand). Cytogenetic location: Xp11.4.
Variant type: single nucleotide variant.
Coding change: c.1466A>G on transcript NM_000397.4 (MANE Select); coding-DNA position 1466, A replaced by G.
Protein change: p.Asn489Ser; replaces asparagine 489 with serine.
Molecular consequence: missense variant.
Genome position (GRCh38, 1-based): chrX:37,809,571, A>G. VCF-style: chrX-37809571-A-G. GRCh37 (hg19) VCF-style: chrX-37668824-A-G.
Other names: short protein forms N489S.
Identifiers: ClinVar variation 1431402 (VCV001431402.8), dbSNP rs2146821107, ClinGen allele CA412978342.

ClinVar aggregate classification (germline): Uncertain significance (1 of 4 stars; one submission).

Conditions:
Granulomatous disease, chronic, X-linked. Also called: CYTOCHROME b-NEGATIVE GRANULOMATOUS DISEASE, CHRONIC, X-LINKED; GRANULOMATOUS DISEASE, CHRONIC, X-LINKED, SOMATIC MOSAIC. Identifiers: Orphanet 379, MedGen C1844376, MONDO:0010600, OMIM 306400.

Allele frequency attached by ClinVar (database versions not stated): gnomAD exomes below 0.00001.
gnomAD v4.1: 1 of 1,199,943 alleles (0.000083%); highest among the groups gnomAD compares: Non-Finnish European, 0.00011%; no homozygotes.

Submission:

Labcorp Genetics (formerly Invitae), Labcorp
Classification: Uncertain significance for Granulomatous disease, chronic, X-linked. Last evaluated: 2025-12-20. Review status: criteria provided, single submitter. Criteria: Invitae Variant Classification Sherloc (09022015). Collection method: clinical testing. Allele origin: germline.
Comment: This sequence change replaces asparagine, which is neutral and polar, with serine, which is neutral and polar, at codon 489 of the CYBB protein (p.Asn489Ser). This variant is not present in population databases (gnomAD no frequency). This variant has not been reported in the literature in individuals affected with CYBB-related conditions. ClinVar contains an entry for this variant (Variation ID: 1431402). Invitae Evidence Modeling of protein sequence and biophysical properties (such as structural, functional, and spatial information, amino acid conservation, physicochemical variation, residue mobility, and thermodynamic stability) indicates that this missense variant is not expected to disrupt CYBB protein function with a negative predictive value of 80%. In summary, the available evidence is currently insufficient to determine the role of this variant in disease. Therefore, it has been classified as a Variant of Uncertain Significance.